The following is an entry in ClinVar:

ClinVar aggregate classification (germline): Conflicting classifications of pathogenicity. Review status: criteria provided, conflicting classifications (1 of 4 stars). 2 submissions from 2 submitters: Uncertain significance (1); Likely benign (1). Last evaluated 2025-05-13.

Conditions:
Tuberous sclerosis syndrome (TSC). Also called: Tuberous Sclerosis Complex; Tuberous sclerosis. Identifiers: Orphanet 805, MedGen C0041341, MONDO:0001734.
Tuberous sclerosis 2 (TSC2). Identifiers: Orphanet 805, MedGen C1860707, MONDO:0013199, OMIM 613254.

Submissions (2):

Labcorp Genetics (formerly Invitae), Labcorp
Classification: Likely benign for Tuberous sclerosis 2. Last evaluated: 2025-05-13. Review status: criteria provided, single submitter. Criteria: Invitae Variant Classification Sherloc (09022015). Collection method: clinical testing. Allele origin: germline.

All of Us Research Program, National Institutes of Health
Classification: Uncertain significance for Tuberous sclerosis syndrome. Last evaluated: 2023-04-03. Review status: criteria provided, single submitter. Criteria: ACMG Guidelines, 2015. Collection method: clinical testing. Allele origin: germline. Inheritance: Autosomal dominant inheritance. Observed: 1 variant allele, 1 heterozygote.
Comment: This variant causes a C to G nucleotide substitution at the -15 position of intron 23 of the TSC2 gene. Splice site prediction tools suggest that this variant may not impact RNA splicing. To our knowledge, functional studies have not been reported for this variant. This variant has not been reported in individuals affected with TSC2-related disorders in the literature. This variant has not been identified in the general population by the Genome Aggregation Database (gnomAD). The available evidence is insufficient to determine the role of this variant in disease conclusively. Therefore, this variant is classified as a Variant of Uncertain Significance.

This study involves interpretation of variants in research participants for the purpose of population health screening. Participant phenotype was not available at the time of variant classification. Additional details can be found in publication PMID: 35346344, PMCID: PMC8962531

NM_000548.5(TSC2):c.2640-15C>G

Gene: TSC2 (TSC complex subunit 2; plus strand). Cytogenetic location: 16p13.3.
Variant type: single nucleotide variant.
Coding change: c.2640-15C>G on transcript NM_000548.5 (MANE Select); 15 bases into the intron before coding-DNA position 2640, C replaced by G.
Molecular consequence: intron variant.
Genome position (GRCh38, 1-based): chr16:2,076,053, C>G. VCF-style: chr16-2076053-C-G. GRCh37 (hg19) VCF-style: chr16-2126054-C-G.
Other names: c.2640-15C>G (NM_001370405.1, NM_001363528.2, NM_001370404.1 and 3 more transcripts); c.2529-15C>G (NM_001318827.2); c.2040-15C>G (NM_001318831.2); c.2493-15C>G (NM_001318829.2); c.2673-15C>G (NM_001318832.2).
Identifiers: ClinVar variation 1586196 (VCV001586196.9), dbSNP rs1011282445, ClinGen allele CA2573151558.